The following is an entry in ClinVar:

NM_001852.4(COL9A2):c.1162-3C>T

Gene: COL9A2 (collagen type IX alpha 2 chain; minus strand). Cytogenetic location: 1p34.2.
Variant type: single nucleotide variant.
Coding change: c.1162-3C>T on transcript NM_001852.4 (MANE Select); 3 bases into the intron before coding-DNA position 1162, C replaced by T.
Molecular consequence: intron variant.
Genome position (GRCh38, 1-based): chr1:40,304,532, G>A on the plus strand (C>T on the coding strand, the complement: COL9A2 is on the minus strand). VCF-style: chr1-40304532-G-A. GRCh37 (hg19) VCF-style: chr1-40770204-G-A.
Identifiers: ClinVar variation 297299 (VCV000297299.58), dbSNP rs368209124, ClinGen allele CA791552.
Genomic context (GRCh38, chr1:40,304,532, plus strand): 5'-TCACCTGCCTTCCCTGAGGGCCTGGTTGCCCCACTGGACCCCTCTCGCCTTGGTCACCCT[G>A]AAATGGAAAGAGAAGGTCACAACCTCAGCAGCTCTCAGCAGGGGTAGCCTCCCGCACCGA-3'

ClinVar aggregate classification (germline): Conflicting classifications of pathogenicity. Review status: criteria provided, conflicting classifications (1 of 4 stars). 5 submissions from 5 submitters: Uncertain significance (1); Likely benign (4). Last evaluated 2026-02-01.

Conditions:
Epiphyseal dysplasia, multiple, 2 (EDM2). Also called: COL9A2-Related Multiple Epiphyseal Dysplasia. Identifiers: MedGen C1838429, MONDO:0010844, OMIM 600204.

Allele frequency attached by ClinVar (database versions not stated): ExAC 0.00024; gnomAD exomes 0.00027 and 0.00047; gnomAD 0.00030 and 0.00031; ESP Exome Variant Server 0.00031; TOPMed 0.00032.
gnomAD v4.1: 733 of 1,614,014 alleles (0.045%); highest among the groups gnomAD compares: Non-Finnish European, 0.059%; 1 homozygote.

Submissions (11):

Labcorp Genetics (formerly Invitae), Labcorp
Classification: Uncertain significance. Last evaluated: 2026-02-01. Review status: criteria provided, single submitter. Criteria: Invitae Variant Classification Sherloc (09022015). Collection method: clinical testing. Allele origin: germline.
Comment: This sequence change falls in intron 22 of the COL9A2 gene. It does not directly change the encoded amino acid sequence of the COL9A2 protein. It affects a nucleotide within the consensus splice site. This variant is present in population databases (rs368209124, gnomAD 0.05%). This variant has not been reported in the literature in individuals affected with COL9A2-related conditions. ClinVar contains an entry for this variant (Variation ID: 297299). Variants that disrupt the consensus splice site are a relatively common cause of aberrant splicing (PMID: 17576681, 9536098). Algorithms developed to predict the effect of sequence changes on RNA splicing suggest that this variant is not likely to affect RNA splicing. In summary, the available evidence is currently insufficient to determine the role of this variant in disease. Therefore, it has been classified as a Variant of Uncertain Significance.

CeGaT Center for Human Genetics Tuebingen
Classification: Likely benign. Last evaluated: 2025-06-01. Review status: criteria provided, single submitter. Criteria: CeGaT Center For Human Genetics Tuebingen Variant Classification Criteria Version 2. Collection method: clinical testing. Allele origin: germline. Affected: yes. Observed: 3 variant alleles.
Comment: COL9A2: BP4

Blueprint Genetics
Classification: Likely benign. Last evaluated: 2024-09-02. Review status: criteria provided, single submitter. Criteria: ACMG Guidelines, 2015. Collection method: clinical testing. Allele origin: germline.

GeneDx
Classification: Likely benign. Last evaluated: 2020-12-15. Review status: criteria provided, single submitter. Criteria: GeneDx Variant Classification Process June 2021. Collection method: clinical testing. Allele origin: germline. Affected: yes.

Illumina Laboratory Services, Illumina
Classification: Likely benign for Epiphyseal dysplasia, multiple, 2. Last evaluated: 2018-01-13. Review status: criteria provided, single submitter. Criteria: ICSL Variant Classification Criteria 13 December 2019. Collection method: clinical testing. Allele origin: germline.
Comment: This variant was observed in the ICSL laboratory as part of a predisposition screen in an ostensibly healthy population. It had not been previously curated by ICSL or reported in the Human Gene Mutation Database (HGMD: prior to June 1st, 2018), and was therefore a candidate for classification through an automated scoring system. Utilizing variant allele frequency, disease prevalence and penetrance estimates, and inheritance mode, an automated score was calculated to assess if this variant is too frequent to cause the disease. Based on the score and internal cut-off values, a variant classified as likely benign is not then subjected to further curation. The score for this variant resulted in a classification of likely benign for this disease.

Dr. Peter K. Rogan Lab, Western University
No classification provided (evidence only). Condition: Lung cancer. Review status: no classification provided. Collection method: in vitro. Allele origin: not applicable. Functional consequence: retained intron. Not counted in ClinVar's aggregate classification.

Dr. Peter K. Rogan Lab, Western University
No classification provided (evidence only). Condition: Familial cancer of breast. Review status: no classification provided. Collection method: in vitro. Allele origin: not applicable. Functional consequence: retained intron. Not counted in ClinVar's aggregate classification.

Dr. Peter K. Rogan Lab, Western University
No classification provided (evidence only). Condition: Acute myeloid leukemia. Review status: no classification provided. Collection method: in vitro. Allele origin: not applicable. Functional consequence: retained intron. Not counted in ClinVar's aggregate classification.

Dr. Peter K. Rogan Lab, Western University
No classification provided (evidence only). Condition: Colorectal cancer. Review status: no classification provided. Collection method: in vitro. Allele origin: not applicable. Functional consequence: retained intron. Not counted in ClinVar's aggregate classification.

Dr. Peter K. Rogan Lab, Western University
No classification provided (evidence only). Condition: Uterine corpus endometrial carcinoma. Review status: no classification provided. Collection method: in vitro. Allele origin: not applicable. Functional consequence: retained intron. Not counted in ClinVar's aggregate classification.

Dr. Peter K. Rogan Lab, Western University
No classification provided (evidence only). Condition: Ovarian serous cystadenocarcinoma. Review status: no classification provided. Collection method: in vitro. Allele origin: not applicable. Functional consequence: retained intron. Not counted in ClinVar's aggregate classification.

Literature cited by the submitters: PubMed 17576681 (cited by Labcorp Genetics (formerly Invitae), Labcorp); PubMed 9536098 (cited by Labcorp Genetics (formerly Invitae), Labcorp).